The following is an entry in ClinVar:

NM_001367721.1(CASK):c.601G>A (p.Asp201Asn)

Gene: CASK (calcium/calmodulin dependent serine protein kinase; minus strand). Cytogenetic location: Xp11.4.
Variant type: single nucleotide variant.
Coding change: c.601G>A on transcript NM_001367721.1 (MANE Select); coding-DNA position 601, G replaced by A.
Protein change: p.Asp201Asn; replaces aspartic acid 201 with asparagine.
Molecular consequence: missense variant.
Genome position (GRCh38, 1-based): chrX:41,665,384, C>T on the plus strand (G>A on the coding strand, the complement: CASK is on the minus strand). VCF-style: chrX-41665384-C-T. GRCh37 (hg19) VCF-style: chrX-41524637-C-T.
Other names: c.601G>A, p.Asp201Asn (NM_001126054.3, NM_001126055.3, NM_001410745.1 and 1 more transcripts); short protein forms D201N.
Identifiers: ClinVar variation 2748112 (VCV002748112.3), dbSNP rs2519216043, ClinGen allele CA412998220.

ClinVar aggregate classification (germline): Uncertain significance (1 of 4 stars; one submission).

Conditions:
Intellectual disability, CASK-related, X-linked. Identifiers: MedGen CN043158.

Submission:

Labcorp Genetics (formerly Invitae), Labcorp
Classification: Uncertain significance for Intellectual disability, CASK-related, X-linked. Last evaluated: 2023-07-29. Review status: criteria provided, single submitter. Criteria: Invitae Variant Classification Sherloc (09022015). Collection method: clinical testing. Allele origin: germline.
Comment: In summary, the available evidence is currently insufficient to determine the role of this variant in disease. Therefore, it has been classified as a Variant of Uncertain Significance. Advanced modeling of protein sequence and biophysical properties (such as structural, functional, and spatial information, amino acid conservation, physicochemical variation, residue mobility, and thermodynamic stability) has been performed at Invitae for this missense variant, however the output from this modeling did not meet the statistical confidence thresholds required to predict the impact of this variant on CASK protein function. This variant has not been reported in the literature in individuals affected with CASK-related conditions. This variant is not present in population databases (gnomAD no frequency). This sequence change replaces aspartic acid, which is acidic and polar, with asparagine, which is neutral and polar, at codon 201 of the CASK protein (p.Asp201Asn).